The following is an entry in ClinVar:

ClinVar aggregate classification (germline): Uncertain significance (1 of 4 stars; one submission).

Submission:

Labcorp Genetics (formerly Invitae), Labcorp
Classification: Uncertain significance. Last evaluated: 2022-11-29. Review status: criteria provided, single submitter. Criteria: Invitae Variant Classification Sherloc (09022015). Collection method: clinical testing. Allele origin: germline.
Comment: This sequence change creates a premature translational stop signal (p.Pro976Leufs*4) in the REST gene. While this is not anticipated to result in nonsense mediated decay, it is expected to disrupt the last 122 amino acid(s) of the REST protein. In summary, the available evidence is currently insufficient to determine the role of this variant in disease. Therefore, it has been classified as a Variant of Uncertain Significance. Experimental studies and prediction algorithms are not available or were not evaluated, and the functional significance of this variant is currently unknown. This variant has not been reported in the literature in individuals affected with REST-related conditions. This variant is not present in population databases (gnomAD no frequency).

NM_005612.5(REST):c.2927del (p.Pro976fs)

Gene: REST (RE1 silencing transcription factor; plus strand). Cytogenetic location: 4q12.
Variant type: Deletion.
Coding change: c.2927del on transcript NM_005612.5 (MANE Select); coding-DNA position 2927, one base deleted (C; older notation c.2927delC).
Protein change: p.Pro976fs; shifts the reading frame from proline 976.
Molecular consequence: frameshift variant.
Genome position (GRCh38, 1-based): chr4:56,931,785, C deleted; the last of 5 consecutive C bases (chr4:56,931,781-56,931,785); deleting any one gives the same sequence. VCF-style (leftmost placement, unchanged base first): chr4-56931780-TC-T. GRCh37 (hg19) VCF-style: chr4-57797946-TC-T.
Other names: c.2927delC, p.Pro976Leufs (NM_001193508.2, NM_001363453.3); short protein forms P976fs.
Identifiers: ClinVar variation 2817295 (VCV002817295.3), dbSNP rs2475854815, ClinGen allele CA2739265899.
Genomic context (GRCh38, chr4:56,931,780, plus strand): 5'-CACAAGAGAGAATCTCACTGGTATAAATTCAACAGTTGAAGAACCAGTTTCACCAATGCT[TC>T]CCCCTTCAGCAGTAGAAGAACGTGAAGCAGTGTCCAAAACTGCACTGGCATCACCTCCTG-3'